The following is an entry in ClinVar:

ClinVar aggregate classification (germline): Pathogenic/Likely pathogenic. Review status: criteria provided, multiple submitters, no conflicts (2 of 4 stars). 4 submissions from 4 submitters: Pathogenic (1); Likely pathogenic (3). Last evaluated 2025-10-02.

Conditions:
Charcot-Marie-Tooth Neuropathy X. Identifiers: MedGen CN118851.
Charcot-Marie-Tooth disease X-linked dominant 1. Also called: GJB1 Disorders: Charcot-Marie-Tooth Neuropathy (CMT1X) and Central Nervous System Phenotypes; Charcot-Marie-Tooth Neuropathy X Type 1; CHARCOT-MARIE-TOOTH NEUROPATHY, X-LINKED, 1; CHARCOT-MARIE-TOOTH PERONEAL MUSCULAR ATROPHY, X-LINKED; HEREDITARY MOTOR AND SENSORY NEUROPATHY, X-LINKED; HMSN, X-LINKED. Identifiers: Orphanet 101075, MedGen C0393808, MONDO:0010549, OMIM 302800.

Submissions (4):

Labcorp Genetics (formerly Invitae), Labcorp
Classification: Pathogenic for Charcot-Marie-Tooth Neuropathy X. Last evaluated: 2025-10-02. Review status: criteria provided, single submitter. Criteria: Invitae Variant Classification Sherloc (09022015). Collection method: clinical testing. Allele origin: germline.
Comment: This sequence change replaces arginine, which is basic and polar, with proline, which is neutral and non-polar, at codon 215 of the GJB1 protein (p.Arg215Pro). This variant is not present in population databases (gnomAD no frequency). This missense change has been observed in individuals with Charcot-Marie-Tooth disease (CMT) (PMID: 27844031; internal datadatabase). ClinVar contains an entry for this variant (Variation ID: 219704). Invitae Evidence Modeling of protein sequence and biophysical properties (such as structural, functional, and spatial information, amino acid conservation, physicochemical variation, residue mobility, and thermodynamic stability) has been performed for this missense variant. However, the output from this modeling did not meet the statistical confidence thresholds required to predict the impact of this variant on GJB1 protein function. Experimental studies have shown that this missense change affects GJB1 function (PMID: 27844031). This variant disrupts the p.Arg215 amino acid residue in GJB1. Other variant(s) that disrupt this residue have been determined to be pathogenic (PMID: 8162049, 8816997). This suggests that this residue is clinically significant, and that variants that disrupt this residue are likely to be disease-causing. For these reasons, this variant has been classified as Pathogenic.

Laboratory of Genetics, Children's Clinical University Hospital Latvia
Classification: Likely pathogenic. Last evaluated: 2025-02-16. Review status: criteria provided, single submitter. Criteria: ACMG Guidelines, 2015. Collection method: clinical testing. Allele origin: germline. Affected: yes.

Institute of Medical Genetics and Applied Genomics, University Hospital Tübingen
Classification: Likely pathogenic for Charcot-Marie-Tooth disease X-linked dominant 1. Last evaluated: 2022-12-13. Review status: criteria provided, single submitter. Criteria: ACMG Guidelines, 2015. Collection method: clinical testing. Allele origin: germline. Inheritance: X-linked dominant inheritance. Affected: yes.

GeneDx
Classification: Likely pathogenic. Last evaluated: 2016-01-15. Review status: criteria provided, single submitter. Criteria: GeneDx Variant Classification (06012015). Collection method: clinical testing. Allele origin: germline. Affected: yes.
Comment: The R215P variant has not been published as a pathogenic variant, nor has it been reported as a benign variant to our knowledge. It was not observed in approximately 6,500 individuals of European and African American ancestry in the NHLBI Exome Sequencing Project, indicating it is not a common benign variant in these populations. The R215P variant is a non-conservative amino acid substitution, which is likely to impact secondary protein structure as these residues differ in polarity, charge, size and/or other properties. This substitution occurs at a position where amino acids with similar properties to Arginine are tolerated across species. In silico analysis predicts this variant is probably damaging to the protein structure/function. Additionally, a different amino acid substitution at the same position (R215W) and several missense variants in nearby residues have been reported in the Inherited Peripheral Neuropathy (IPN) database and Human Gene Mutation Database in association with CMTX1 (Stenson et al., 2014), supporting the functional importance of this region of the protein. Therefore, this variant is likely pathogenic; however, the possibility that it is benign cannot be excluded.

Literature cited by the submitters: PubMed 27844031 (cited by Labcorp Genetics (formerly Invitae), Labcorp); PubMed 8162049 (cited by Labcorp Genetics (formerly Invitae), Labcorp); PubMed 8816997 (cited by Labcorp Genetics (formerly Invitae), Labcorp).

NM_000166.6(GJB1):c.644G>C (p.Arg215Pro)

Gene: GJB1 (gap junction protein beta 1; plus strand). Cytogenetic location: Xq13.1.
Variant type: single nucleotide variant.
Coding change: c.644G>C on transcript NM_000166.6 (MANE Select); coding-DNA position 644, G replaced by C.
Protein change: p.Arg215Pro; replaces arginine 215 with proline.
Molecular consequence: missense variant.
Genome position (GRCh38, 1-based): chrX:71,224,351, G>C. VCF-style: chrX-71224351-G-C. GRCh37 (hg19) VCF-style: chrX-70444201-G-C.
Other names: c.644G>C, p.Arg215Pro (NM_001097642.3); short protein forms R215P.
Identifiers: ClinVar variation 219704 (VCV000219704.11), dbSNP rs864622215, ClinGen allele CA349245.